The following is an entry in ClinVar:

NM_000257.4(MYH7):c.1436A>G (p.Asn479Ser)

Gene: MYH7 (myosin heavy chain 7; minus strand). Cytogenetic location: 14q11.2.
Variant type: single nucleotide variant.
Coding change: c.1436A>G on transcript NM_000257.4 (MANE Select); coding-DNA position 1436, A replaced by G.
Protein change: p.Asn479Ser; replaces asparagine 479 with serine.
Molecular consequence: missense variant.
Genome position (GRCh38, 1-based): chr14:23,428,642, T>C on the plus strand (A>G on the coding strand, the complement: MYH7 is on the minus strand). VCF-style: chr14-23428642-T-C. GRCh37 (hg19) VCF-style: chr14-23897851-T-C.
Other names: short protein forms N479S.
Identifiers: ClinVar variation 177623 (VCV000177623.22), dbSNP rs727504236, ClinGen allele CA010759.

ClinVar aggregate classification (germline): Pathogenic/Likely pathogenic. Review status: criteria provided, multiple submitters, no conflicts (2 of 4 stars). 7 submissions from 7 submitters: Pathogenic (3); Likely pathogenic (4). Last evaluated 2025-10-23.

Conditions:
MYH7-related disorder. Also called: MYH7-related disorders; MYH7-related condition; MYH7-related disease.
Cardiovascular phenotype. Identifiers: MedGen CN230736.
Hypertrophic cardiomyopathy 1 (CMH1). Also called: Familial hypertrophic cardiomyopathy 1; MYH7-Related Familial Hypertrophic Cardiomyopathy. Identifiers: MedGen C3495498, MONDO:0008647, OMIM 192600.
Hypertrophic cardiomyopathy. Also called: HYPERTROPHIC MYOCARDIOPATHY. Identifiers: Orphanet 217569, MedGen C0007194, MeSH D002312, MONDO:0005045, HP:0001639.

Submissions (7):

Labcorp Genetics (formerly Invitae), Labcorp
Classification: Pathogenic for Hypertrophic cardiomyopathy. Last evaluated: 2025-10-23. Review status: criteria provided, single submitter. Criteria: Invitae Variant Classification Sherloc (09022015). Collection method: clinical testing. Allele origin: germline.
Comment: This sequence change replaces asparagine, which is neutral and polar, with serine, which is neutral and polar, at codon 479 of the MYH7 protein (p.Asn479Ser). This variant is not present in population databases (gnomAD no frequency). This missense change has been observed in individuals with clinical features of hypertrophic cardiomyopathy (PMID: 12707239, 12820698, 27532257, 28356264). ClinVar contains an entry for this variant (Variation ID: 177623). Invitae Evidence Modeling of protein sequence and biophysical properties (such as structural, functional, and spatial information, amino acid conservation, physicochemical variation, residue mobility, and thermodynamic stability) indicates that this missense variant is expected to disrupt MYH7 protein function with a positive predictive value of 95%. This variant is found within a region of MYH7 between codons 181 and 937 that contains the majority of the myosin head domain. Missense variants in this region have been shown to be significantly overrepresented in individuals with hypertrophic cardiomyopathy (PMID: 27532257). For these reasons, this variant has been classified as Pathogenic.

Ambry Genetics
Classification: Likely pathogenic for Cardiovascular phenotype. Last evaluated: 2025-02-06. Review status: criteria provided, single submitter. Criteria: Ambry Variant Classification Scheme 2023. Collection method: clinical testing. Allele origin: germline.
Comment: The p.N479S variant (also known as c.1436A>G), located in coding exon 13 of the MYH7 gene, results from an A to G substitution at nucleotide position 1436. The asparagine at codon 479 is replaced by serine, an amino acid with highly similar properties. This alteration is located in the myosin head domain, which contains a statistically significant clustering of pathogenic missense variants (Homburger JR et al. Proc Natl Acad Sci U S A, 2016 06;113:6701-6; Walsh R et al. Genet Med, 2017 02;19:192-203; Ambry internal data). This alteration has been detected in a number of individuals with hypertrophic cardiomyopathy and co-segregation has been reported in at least one family (Mohiddin SA et al. Genet. Test., 2003;7:21-7; Richard P et al. Circulation, 2003 May;107:2227-32; G&oacute;mez J et al. Circ Cardiovasc Genet, 2017 Apr;10:e001584; Walsh R et al. Genet. Med., 2017 02;19:192-203; Robyns T et al. Eur J Hum Genet, 2017 12;25:1313-1323; Robyns T et al. Eur J Med Genet, 2020 Mar;63:103754; Invitae pers. comm.). This variant was not reported in population-based cohorts in the Genome Aggregation Database (gnomAD). This amino acid position is highly conserved in available vertebrate species. In addition, this alteration is predicted to be deleterious by in silico analysis. Based on the majority of available evidence to date, this variant is likely to be pathogenic.

3billion
Classification: Pathogenic for Hypertrophic cardiomyopathy 1. Last evaluated: 2024-10-07. Review status: criteria provided, single submitter. Criteria: ACMG Guidelines, 2015. Collection method: clinical testing. Allele origin: germline. Affected: yes.
Comment: The variant is not observed in the gnomAD v4.1.0 dataset. Predicted Consequence/Location: The variant is located in a mutational hot spot and/or well-established functional domain in which established pathogenic variants have been reported (PMID: 29300372). In silico tool predictions suggest damaging effect of the variant on gene or gene product [REVEL: 0.91 (>=0.6, sensitivity 0.68 and specificity 0.92); 3Cnet: 0.99 (>=0.6, sensitivity 0.72 and precision 0.9)]. The same nucleotide change resulting in the same amino acid change has been previously reported as pathogenic/likely pathogenic with strong evidence (ClinVar ID: VCV000177623 /PMID: 12707239). A different missense change at the same codon (p.Asn479Thr) has been reported to be associated with MYH7-related disorder (PMID: 23785128). Therefore, this variant is classified as Pathogenic according to the recommendation of ACMG/AMP guideline.

GeneDx
Classification: Likely pathogenic. Last evaluated: 2024-03-26. Review status: criteria provided, single submitter. Criteria: GeneDx Variant Classification Process June 2021. Collection method: clinical testing. Allele origin: germline. Affected: yes.
Comment: Identified in patients with HCM in published literature (PMID: 12707239, 27532257, 12820698, 20800588, 28356264, 37652022, 29255176); Not observed at significant frequency in large population cohorts (gnomAD); In silico analysis supports that this missense variant has a deleterious effect on protein structure/function; This variant is associated with the following publications: (PMID: 12707239, 27532257, 31513939, 12820698, 20800588, 28356264, 28606303, 29300372, 37652022, 29255176)

Laboratorio de Genetica e Diagnostico Molecular, Hospital Israelita Albert Einstein
Classification: Likely pathogenic for MYH7-related disease. Last evaluated: 2022-11-25. Review status: criteria provided, single submitter. Criteria: ACMG Guidelines, 2015. Collection method: clinical testing. Allele origin: germline.
Comment: ACMG classification criteria: PS4 moderated, PM1 moderated, PM2 moderated, PP3 supporting

Laboratory for Molecular Medicine, Mass General Brigham Personalized Medicine
Classification: Likely pathogenic for Hypertrophic cardiomyopathy. Last evaluated: 2018-03-15. Review status: criteria provided, single submitter. Criteria: LMM Criteria. Collection method: clinical testing. Allele origin: germline. Observed: 1 variant allele.
Comment: proposed classification - variant undergoing re-assessment, contact laboratory

Center for Human Genetics, University of Leuven
Classification: Pathogenic for Hypertrophic cardiomyopathy. Last evaluated: 2017-02-09. Review status: criteria provided, single submitter. Criteria: ACMG Guidelines, 2015. Collection method: clinical testing. Allele origin: germline. Inheritance: Autosomal dominant inheritance. Affected: yes. Observed: 11 variant alleles.
Comment: ACMG score pathogenic

Literature cited by the submitters: PubMed 12707239 (cited by 4 submitters); PubMed 12820698 (cited by 3 submitters); PubMed 27532257 (cited by 3 submitters); PubMed 28356264 (cited by Labcorp Genetics (formerly Invitae), Labcorp and Ambry Genetics); PubMed 20800588 (cited by Ambry Genetics); PubMed 28606303 (cited by Ambry Genetics); PubMed 29255176 (cited by Ambry Genetics and Laboratory for Molecular Medicine, Mass General Brigham Personalized Medicine); PubMed 30578397 (cited by Ambry Genetics); PubMed 31513939 (cited by Ambry Genetics); PubMed 23785128 (cited by 3billion).